The following is an entry in ClinVar:

NM_000516.7(GNAS):c.918G>A (p.Ser306=)

Gene: GNAS (GNAS complex locus; plus strand). Cytogenetic location: 20q13.32.
Variant type: single nucleotide variant.
Coding change: c.918G>A on transcript NM_000516.7 (MANE Select); coding-DNA position 918, G replaced by A.
Protein change: p.Ser306=; no amino-acid change (serine 306 retained).
Molecular consequence: synonymous variant. On other transcripts: 3 prime UTR variant (2).
Genome position (GRCh38, 1-based): chr20:58,910,029, G>A. VCF-style: chr20-58910029-G-A. GRCh37 (hg19) VCF-style: chr20-57485084-G-A.
Other names: c.921G>A, p.Ser307= (NM_001077488.5); c.873G>A, p.Ser291= (NM_001077489.4); c.*779G>A (NM_001077490.3); c.741G>A, p.Ser247= (NM_001309840.2, NM_001309861.2, NM_001438276.1 and 1 more transcripts); c.822G>A, p.Ser274= (NM_001410912.1); c.2802G>A, p.Ser934= (NM_001410913.1); c.696G>A, p.Ser232= (NM_001438273.1, NM_001438274.1, NM_001438275.1); c.*824G>A (NM_016592.5); and 2 more.
Identifiers: ClinVar variation 4984530 (VCV004984530.1).
Genomic context (GRCh38, chr20:58,910,029, plus strand): 5'-TGTGATCCTGTTCCTCAACAAGCAAGATCTGCTCGCTGAGAAAGTCCTTGCTGGGAAATC[G>A]AAGATTGAGGACTACTTTCCAGAATTTGCTCGCTACACTACTCCTGAGGATGGTGTGTAT-3'
Protein context (NP_000507.1, residues 296-316): LLAEKVLAGK[Ser306=]KIEDYFPEFA

ClinVar aggregate classification (germline): Likely benign (1 of 4 stars; one submission).

Conditions:
GNAS-related disorder. Identifiers: MedGen CN380105.

gnomAD v4.1: 26 of 1,613,508 alleles (0.0016%); highest among the groups gnomAD compares: Non-Finnish European, 0.0021%; no homozygotes.

Submission:

PreventionGenetics, part of Exact Sciences
Classification: Likely benign for GNAS-related condition. Last evaluated: 2024-12-16. Review status: criteria provided, single submitter. Criteria: ACMG Guidelines, 2015. Collection method: clinical testing. Allele origin: germline.
Comment: This variant is classified as likely benign based on ACMG/AMP sequence variant interpretation guidelines (Richards et al. 2015 PMID: 25741868, with internal and published modifications).